The following is an entry in ClinVar:

NM_015662.3(IFT172):c.3924C>T (p.Ser1308=)

Genes: IFT172 (intraflagellar transport 172; minus strand), LOC126806173 (BRD4-independent group 4 enhancer GRCh37_chr2:27676057-27677256; plus strand). Cytogenetic location: 2p23.3.
Variant type: single nucleotide variant.
Coding change: c.3924C>T on transcript NM_015662.3 (MANE Select); coding-DNA position 3924, C replaced by T.
Protein change: p.Ser1308=; no amino-acid change (serine 1308 retained).
Molecular consequence: synonymous variant.
Genome position (GRCh38, 1-based): chr2:27,453,411, G>A on the plus strand (C>T on the coding strand, the complement: IFT172 is on the minus strand). VCF-style: chr2-27453411-G-A. GRCh37 (hg19) VCF-style: chr2-27676278-G-A.
Other names: c.3924C>T (NM_015662.2).
Identifiers: ClinVar variation 1560908 (VCV001560908.11), dbSNP rs764778967, ClinGen allele CA1579822.

ClinVar aggregate classification (germline): Likely benign. Review status: criteria provided, multiple submitters, no conflicts (2 of 4 stars). 3 submissions from 3 submitters: Likely benign (2). 1 of the submissions does not count toward it. Last evaluated 2025-09-17.

Conditions:
IFT172-related disorder. Also called: IFT172-related disorders; IFT172-related condition.
Retinitis pigmentosa 71 (RP71). Identifiers: Orphanet 791, MedGen C4225342, MONDO:0014618, OMIM 616394.
Short-rib thoracic dysplasia 10 with or without polydactyly (SRTD10). Identifiers: Orphanet 474, MedGen C3810175, MONDO:0014284, OMIM 615630.
Bardet-Biedl syndrome 20. Identifiers: MedGen C4310707, MONDO:0023670, OMIM 619471, MONDO:0014926.

Allele frequency attached by ClinVar (database versions not stated): ExAC 0.00001; gnomAD 0.00001; gnomAD exomes 0.00001; TOPMed 0.00002.
gnomAD v4.1: 11 of 1,614,056 alleles (0.00068%); highest among the groups gnomAD compares: African/African-American, 0.0053%; no homozygotes.

Submissions (3):

Labcorp Genetics (formerly Invitae), Labcorp
Classification: Likely benign for Retinitis pigmentosa 71; Short-rib thoracic dysplasia 10 with or without polydactyly. Last evaluated: 2025-09-17. Review status: criteria provided, single submitter. Criteria: Invitae Variant Classification Sherloc (09022015). Collection method: clinical testing. Allele origin: germline.

Fulgent Genetics
Classification: Likely benign for Short-rib thoracic dysplasia 10 with or without polydactyly; Retinitis pigmentosa 71; Bardet-Biedl syndrome 20. Last evaluated: 2022-03-28. Review status: criteria provided, single submitter. Criteria: ACMG Guidelines, 2015. Collection method: clinical testing. Allele origin: unknown.

PreventionGenetics, part of Exact Sciences
Classification: Likely benign for IFT172-related condition. Last evaluated: 2022-01-10. Review status: no assertion criteria provided. Collection method: clinical testing. Allele origin: germline. Not counted in ClinVar's aggregate classification.
Comment: This variant is classified as likely benign based on ACMG/AMP sequence variant interpretation guidelines (Richards et al. 2015 PMID: 25741868, with internal and published modifications).